The following is an entry in ClinVar:

NM_000017.4(ACADS):c.*527A>G

Gene: ACADS (acyl-CoA dehydrogenase short chain; plus strand). Cytogenetic location: 12q24.31.
Variant type: single nucleotide variant.
Coding change: c.*527A>G on transcript NM_000017.4 (MANE Select); 527 bases downstream of the stop codon, A replaced by G.
Molecular consequence: 3 prime UTR variant.
Genome position (GRCh38, 1-based): chr12:120,739,975, A>G. VCF-style: chr12-120739975-A-G. GRCh37 (hg19) VCF-style: chr12-121177778-A-G.
Other names: c.*527A>G (NM_001302554.2).
Identifiers: ClinVar variation 307453 (VCV000307453.6), dbSNP rs9204, ClinGen allele CA10632137.

ClinVar aggregate classification (germline): Benign. Review status: criteria provided, multiple submitters, no conflicts (2 of 4 stars). 2 submissions from 2 submitters: Benign (2). Last evaluated 2018-01-12.

Conditions:
Deficiency of butyryl-CoA dehydrogenase (ACADSD). Also called: SCAD DEFICIENCY, MILD; ACYL-CoA DEHYDROGENASE, SHORT-CHAIN, DEFICIENCY OF; SCADH DEFICIENCY; ACADS DEFICIENCY; Short-Chain Acyl-CoA Dehydrogenase Deficiency; SCAD Deficiency. Identifiers: Orphanet 26792, MedGen C0342783, MONDO:0008722, OMIM 201470. Disease mechanism: May be benign.

Allele frequency attached by ClinVar (database versions not stated): 1000 Genomes Project 0.27436; 1000 Genomes Project 30x 0.27483; gnomAD 0.29435 and 0.29731; TOPMed 0.29815; gnomAD exomes 0.31347.
gnomAD v4.1: 50,405 of 168,110 alleles (30%); highest among the groups gnomAD compares: Admixed American, 42%; 8,402 homozygotes.

Submissions (2):

Illumina Laboratory Services, Illumina
Classification: Benign for Deficiency of butyryl-CoA dehydrogenase. Last evaluated: 2018-01-12. Review status: criteria provided, single submitter. Criteria: ICSL Variant Classification Criteria 13 December 2019. Collection method: clinical testing. Allele origin: germline.
Comment: This variant was observed in the ICSL laboratory as part of a predisposition screen in an ostensibly healthy population. It had not been previously curated by ICSL or reported in the Human Gene Mutation Database (HGMD: prior to June 1st, 2018), and was therefore a candidate for classification through an automated scoring system. Utilizing variant allele frequency, disease prevalence and penetrance estimates, and inheritance mode, an automated score was calculated to assess if this variant is too frequent to cause the disease. Based on the score and internal cut-off values, a variant classified as benign is not then subjected to further curation. The score for this variant resulted in a classification of benign for this disease.

Breakthrough Genomics
Classification: Benign. Review status: criteria provided, single submitter. Criteria: ACMG Guidelines, 2015. Collection method: not provided. Allele origin: germline. Inheritance: Autosomal recessive inheritance. Affected: yes.